The following is an entry in ClinVar:

ClinVar aggregate classification (germline): Uncertain significance (1 of 4 stars; one submission).

Conditions:
Hereditary cancer-predisposing syndrome. Also called: Hereditary neoplastic syndrome; Hereditary Cancer Syndrome; Neoplastic Syndromes, Hereditary; Tumor predisposition. Identifiers: Orphanet 140162, MedGen C0027672, MeSH D009386, MONDO:0015356.

Submission:

Ambry Genetics
Classification: Uncertain significance for Hereditary cancer-predisposing syndrome. Last evaluated: 2023-04-05. Review status: criteria provided, single submitter. Criteria: Ambry Variant Classification Scheme 2023. Collection method: clinical testing. Allele origin: germline.
Comment: The p.T518S variant (also known as c.1553C>G), located in coding exon 4 of the MSH6 gene, results from a C to G substitution at nucleotide position 1553. The threonine at codon 518 is replaced by serine, an amino acid with similar properties. This amino acid position is conserved. In addition, the in silico prediction for this alteration is inconclusive. Since supporting evidence is limited at this time, the clinical significance of this alteration remains unclear.

NM_000179.3(MSH6):c.1553C>G (p.Thr518Ser)

Gene: MSH6 (mutS homolog 6; plus strand). Cytogenetic location: 2p16.3.
Variant type: single nucleotide variant.
Coding change: c.1553C>G on transcript NM_000179.3 (MANE Select); coding-DNA position 1553, C replaced by G.
Protein change: p.Thr518Ser; replaces threonine 518 with serine.
Molecular consequence: missense variant. On other transcripts: non-coding transcript variant (4), intron variant (1).
Genome position (GRCh38, 1-based): chr2:47,799,536, C>G. VCF-style: chr2-47799536-C-G. GRCh37 (hg19) VCF-style: chr2-48026675-C-G.
Other names: c.1163C>G, p.Thr388Ser (NM_001281492.2); c.647C>G, p.Thr216Ser (NM_001281493.2, NM_001281494.2, NM_001406811.1 and 6 more transcripts); c.1649C>G, p.Thr550Ser (NM_001406795.1, NM_001406802.1); c.1553C>G, p.Thr518Ser (NM_001406796.1, NM_001406798.1, NM_001406800.1 and 4 more transcripts); c.1256C>G, p.Thr419Ser (NM_001406797.1, NM_001406801.1, NM_001406805.1 and 10 more transcripts); c.1028C>G, p.Thr343Ser (NM_001406799.1, NM_001406806.1, NM_001406807.1); c.1475C>G, p.Thr492Ser (NM_001406804.1); c.1559C>G, p.Thr520Ser (NM_001406813.1); and 2 more; short protein forms T216S, T518S, T550S, T388S, T419S, T492S, T343S, T462S.
Identifiers: ClinVar variation 2567458 (VCV002567458.2), dbSNP rs1553412945, ClinGen allele CA346746673.